The following is an entry in ClinVar:

NM_004612.4(TGFBR1):c.410T>C (p.Val137Ala)

Gene: TGFBR1 (transforming growth factor beta receptor 1; plus strand). Cytogenetic location: 9q22.33.
Variant type: single nucleotide variant.
Coding change: c.410T>C on transcript NM_004612.4 (MANE Select); coding-DNA position 410, T replaced by C.
Protein change: p.Val137Ala; replaces valine 137 with alanine.
Molecular consequence: missense variant. On other transcripts: non-coding transcript variant (4), intron variant (3).
Genome position (GRCh38, 1-based): chr9:99,132,575, T>C. VCF-style: chr9-99132575-T-C. GRCh37 (hg19) VCF-style: chr9-101894857-T-C.
Other names: c.422T>C, p.Val141Ala (NM_001306210.2, NM_001407416.1); c.410T>C, p.Val137Ala (NM_001407417.1, NM_001407435.1); c.215T>C, p.Val72Ala (NM_001407418.1, NM_001407419.1, NM_001407420.1 and 1 more transcripts); c.203T>C, p.Val68Ala (NM_001407423.1, NM_001407424.1, NM_001407425.1 and 8 more transcripts); c.164T>C, p.Val55Ala (NM_001407436.1); c.343+3475T>C (NM_001130916.3); c.98-5284T>C (NM_001407438.1); c.98-9961T>C (NM_001407437.1); short protein forms V141A, V137A, V68A, V72A, V55A.
Identifiers: ClinVar variation 2861820 (VCV002861820.3), dbSNP rs2490142296, ClinGen allele CA374227945.

ClinVar aggregate classification (germline): Uncertain significance (1 of 4 stars; one submission).

Conditions:
Familial thoracic aortic aneurysm and aortic dissection (TAAD). Also called: Thoracic aortic aneurysms and dissections. Identifiers: Orphanet 91387, MedGen C4707243, MONDO:0019625.

Submission:

Labcorp Genetics (formerly Invitae), Labcorp
Classification: Uncertain significance for Familial thoracic aortic aneurysm and aortic dissection. Last evaluated: 2023-05-02. Review status: criteria provided, single submitter. Criteria: Invitae Variant Classification Sherloc (09022015). Collection method: clinical testing. Allele origin: germline.
Comment: This variant has not been reported in the literature in individuals affected with TGFBR1-related conditions. This sequence change replaces valine, which is neutral and non-polar, with alanine, which is neutral and non-polar, at codon 137 of the TGFBR1 protein (p.Val137Ala). This variant is not present in population databases (gnomAD no frequency). Advanced modeling of protein sequence and biophysical properties (such as structural, functional, and spatial information, amino acid conservation, physicochemical variation, residue mobility, and thermodynamic stability) performed at Invitae indicates that this missense variant is not expected to disrupt TGFBR1 protein function. In summary, the available evidence is currently insufficient to determine the role of this variant in disease. Therefore, it has been classified as a Variant of Uncertain Significance.